The following is an entry in ClinVar:

ClinVar aggregate classification (germline): Uncertain significance. Review status: criteria provided, multiple submitters, no conflicts (2 of 4 stars). 2 submissions from 2 submitters: Uncertain significance (2). Last evaluated 2025-06-10.

Conditions:
Glanzmann thrombasthenia. Also called: THROMBASTHENIA OF GLANZMANN AND NAEGELI; Thrombasthenia; PLATELET GLYCOPROTEIN IIb-IIIa DEFICIENCY; Glanzmann's thrombasthenia. Identifiers: Orphanet 849, MedGen C0040015, MONDO:0100326.

Allele frequency attached by ClinVar (database versions not stated): ExAC 0.00001; gnomAD exomes 0.00001.
gnomAD v4.1: 4 of 1,614,084 alleles (0.00025%); highest among the groups gnomAD compares: Admixed American, 0.0067%; no homozygotes.

Submissions (2):

Labcorp Genetics (formerly Invitae), Labcorp
Classification: Uncertain significance for Glanzmann thrombasthenia. Last evaluated: 2025-06-10. Review status: criteria provided, single submitter. Criteria: Invitae Variant Classification Sherloc (09022015). Collection method: clinical testing. Allele origin: germline.
Comment: This sequence change replaces glycine, which is neutral and non-polar, with valine, which is neutral and non-polar, at codon 827 of the ITGA2B protein (p.Gly827Val). This variant is present in population databases (rs756871533, gnomAD 0.009%). This variant has not been reported in the literature in individuals affected with ITGA2B-related conditions. ClinVar contains an entry for this variant (Variation ID: 2171043). Invitae Evidence Modeling of protein sequence and biophysical properties (such as structural, functional, and spatial information, amino acid conservation, physicochemical variation, residue mobility, and thermodynamic stability) indicates that this missense variant is expected to disrupt ITGA2B protein function with a positive predictive value of 95%. Algorithms developed to predict the effect of sequence changes on RNA splicing suggest that this variant may create or strengthen a splice site. In summary, the available evidence is currently insufficient to determine the role of this variant in disease. Therefore, it has been classified as a Variant of Uncertain Significance.

Blueprint Genetics
Classification: Uncertain significance. Last evaluated: 2021-10-26. Review status: criteria provided, single submitter. Criteria: ACMG Guidelines, 2015. Collection method: clinical testing. Allele origin: germline.

NM_000419.5(ITGA2B):c.2480G>T (p.Gly827Val)

Gene: ITGA2B (integrin subunit alpha 2b; minus strand). Cytogenetic location: 17q21.31.
Variant type: single nucleotide variant.
Coding change: c.2480G>T on transcript NM_000419.5 (MANE Select); coding-DNA position 2480, G replaced by T.
Protein change: p.Gly827Val; replaces glycine 827 with valine.
Molecular consequence: missense variant.
Genome position (GRCh38, 1-based): chr17:44,375,954, C>A on the plus strand (G>T on the coding strand, the complement: ITGA2B is on the minus strand). VCF-style: chr17-44375954-C-A. GRCh37 (hg19) VCF-style: chr17-42453322-C-A.
Other names: short protein forms G827V.
Identifiers: ClinVar variation 2171043 (VCV002171043.5), dbSNP rs756871533, ClinGen allele CA8602669.